The following is an entry in ClinVar:

ClinVar aggregate classification (germline): Uncertain significance. Review status: criteria provided, multiple submitters, no conflicts (2 of 4 stars). 2 submissions from 2 submitters: Uncertain significance (2). Last evaluated 2022-12-26.

Conditions:
Microcephaly, normal intelligence and immunodeficiency (NBS). Also called: IMMUNODEFICIENCY, MICROCEPHALY, AND CHROMOSOMAL INSTABILITY; SEEMANOVA SYNDROME II; Nijmegen breakage syndrome; Microcephaly with normal intelligence immunodeficiency and lymphoreticular malignancies; Nonsyndromal microcephaly autosomal recessive with normal intelligence; Seemanova syndrome 2. Identifiers: Orphanet 647, MedGen C0398791, MONDO:0009623, OMIM 251260.
Hereditary cancer-predisposing syndrome. Also called: Tumor predisposition; Neoplastic Syndromes, Hereditary; Hereditary Cancer Syndrome; Hereditary neoplastic syndrome. Identifiers: Orphanet 140162, MedGen C0027672, MeSH D009386, MONDO:0015356.

gnomAD v4.1: 1 of 1,610,844 alleles (0.000062%); highest among the groups gnomAD compares: South Asian, 0.0011%; no homozygotes.

Submissions (2):

Labcorp Genetics (formerly Invitae), Labcorp
Classification: Uncertain significance for Microcephaly, normal intelligence and immunodeficiency. Last evaluated: 2022-12-26. Review status: criteria provided, single submitter. Criteria: Invitae Variant Classification Sherloc (09022015). Collection method: clinical testing. Allele origin: germline.
Comment: In summary, the available evidence is currently insufficient to determine the role of this variant in disease. Therefore, it has been classified as a Variant of Uncertain Significance. Algorithms developed to predict the effect of missense changes on protein structure and function are either unavailable or do not agree on the potential impact of this missense change (SIFT: "Tolerated"; PolyPhen-2: "Probably Damaging"; Align-GVGD: "Class C0"). ClinVar contains an entry for this variant (Variation ID: 1787976). This variant has not been reported in the literature in individuals affected with NBN-related conditions. This variant is present in population databases (no rsID available, gnomAD 0.003%). This sequence change replaces aspartic acid, which is acidic and polar, with asparagine, which is neutral and polar, at codon 742 of the NBN protein (p.Asp742Asn).

Ambry Genetics
Classification: Uncertain significance for Hereditary cancer-predisposing syndrome. Last evaluated: 2022-06-15. Review status: criteria provided, single submitter. Criteria: Ambry Variant Classification Scheme 2023. Collection method: clinical testing. Allele origin: germline.
Comment: The p.D742N variant (also known as c.2224G>A), located in coding exon 15 of the NBN gene, results from a G to A substitution at nucleotide position 2224. The aspartic acid at codon 742 is replaced by asparagine, an amino acid with highly similar properties. This amino acid position is highly conserved in available vertebrate species. In addition, this alteration is predicted to be tolerated by in silico analysis. Since supporting evidence is limited at this time, the clinical significance of this alteration remains unclear.

NM_002485.5(NBN):c.2224G>A (p.Asp742Asn)

Gene: NBN (nibrin; minus strand). Cytogenetic location: 8q21.3.
Variant type: single nucleotide variant.
Coding change: c.2224G>A on transcript NM_002485.5 (MANE Select); coding-DNA position 2224, G replaced by A.
Protein change: p.Asp742Asn; replaces aspartic acid 742 with asparagine.
Molecular consequence: missense variant.
Genome position (GRCh38, 1-based): chr8:89,937,036, C>T on the plus strand (G>A on the coding strand, the complement: NBN is on the minus strand). VCF-style: chr8-89937036-C-T. GRCh37 (hg19) VCF-style: chr8-90949264-C-T.
Other names: c.1978G>A, p.Asp660Asn (NM_001024688.3); short protein forms D660N, D742N.
Identifiers: ClinVar variation 1787976 (VCV001787976.5), dbSNP rs746479577, ClinGen allele CA371674758.